The following is an entry in ClinVar:

NM_000287.4(PEX6):c.224T>C (p.Leu75Pro)

Gene: PEX6 (peroxisomal biogenesis factor 6; minus strand). Cytogenetic location: 6p21.1.
Variant type: single nucleotide variant.
Coding change: c.224T>C on transcript NM_000287.4 (MANE Select); coding-DNA position 224, T replaced by C.
Protein change: p.Leu75Pro; replaces leucine 75 with proline.
Molecular consequence: missense variant. On other transcripts: non-coding transcript variant (1).
Genome position (GRCh38, 1-based): chr6:42,978,927, A>G on the plus strand (T>C on the coding strand, the complement: PEX6 is on the minus strand). VCF-style: chr6-42978927-A-G. GRCh37 (hg19) VCF-style: chr6-42946665-A-G.
Other names: c.224T>C, p.Leu75Pro (NM_001316313.2); short protein forms L75P.
Identifiers: ClinVar variation 2112925 (VCV002112925.7), dbSNP rs2481282109, ClinGen allele CA364167915.
Genomic context (GRCh38, chr6:42,978,927, plus strand): 5'-CGCGCCCGCACCCAGGCCCCGGAGCCCAGTGCCAGGAGCCGCAGCAGCGCGCGGCTAACC[A>G]GTAGCTGCGGCGGCCCGGGACCCTGCTCTTCGGTGCCCGCGTCCGGCCCCTCCAGGGCTG-3'
Protein context (NP_000278.3, residues 65-85): EEQGPGPPQL[Leu75Pro]VSRALLRLLA

ClinVar aggregate classification (germline): Uncertain significance. Review status: criteria provided, multiple submitters, no conflicts (2 of 4 stars). 2 submissions from 2 submitters: Uncertain significance (2). Last evaluated 2025-10-07.

Conditions:
Peroxisome biogenesis disorder. Identifiers: Orphanet 79189, MedGen C1832200, MONDO:0019234. Disease mechanism: loss of function.

Submissions (2):

Women's Health and Genetics/Laboratory Corporation of America, LabCorp
Classification: Uncertain significance. Last evaluated: 2025-10-07. Review status: criteria provided, single submitter. Criteria: LabCorp Variant Classification Summary - May 2015. Collection method: clinical testing. Allele origin: germline.
Comment: Variant summary: PEX6 c.224T>C (p.Leu75Pro) results in a non-conservative amino acid change in the encoded protein sequence. Algorithms developed to predict the effect of missense changes on protein structure and function all suggest that this variant is likely to be disruptive. The variant was absent in 88790 control chromosomes. The available data on variant occurrences in the general population are insufficient to allow any conclusion about variant significance. To our knowledge, no occurrence of c.224T>C in individuals affected with PEX6-related conditions and no experimental evidence demonstrating its impact on protein function have been reported. ClinVar contains an entry for this variant (Variation ID: 2112925). Based on the evidence outlined above, the variant was classified as uncertain significance.

Labcorp Genetics (formerly Invitae), Labcorp
Classification: Uncertain significance for Peroxisome biogenesis disorder. Last evaluated: 2022-03-16. Review status: criteria provided, single submitter. Criteria: Invitae Variant Classification Sherloc (09022015). Collection method: clinical testing. Allele origin: germline.
Comment: In summary, the available evidence is currently insufficient to determine the role of this variant in disease. Therefore, it has been classified as a Variant of Uncertain Significance. Algorithms developed to predict the effect of missense changes on protein structure and function are either unavailable or do not agree on the potential impact of this missense change (SIFT: "Deleterious"; PolyPhen-2: "Probably Damaging"; Align-GVGD: "Class C0"). This variant has not been reported in the literature in individuals affected with PEX6-related conditions. This variant is not present in population databases (gnomAD no frequency). This sequence change replaces leucine, which is neutral and non-polar, with proline, which is neutral and non-polar, at codon 75 of the PEX6 protein (p.Leu75Pro).